The following is an entry in ClinVar:

NM_020719.3(PRR12):c.236C>A (p.Ala79Glu)

Gene: PRR12 (proline rich 12; plus strand). Cytogenetic location: 19q13.33.
Variant type: single nucleotide variant.
Coding change: c.236C>A on transcript NM_020719.3 (MANE Select); coding-DNA position 236, C replaced by A.
Protein change: p.Ala79Glu; replaces alanine 79 with glutamic acid.
Molecular consequence: missense variant.
Genome position (GRCh38, 1-based): chr19:49,594,490, C>A. VCF-style: chr19-49594490-C-A. GRCh37 (hg19) VCF-style: chr19-50097747-C-A.
Other names: short protein forms A79E.
Identifiers: ClinVar variation 2226831 (VCV002226831.2), dbSNP rs771796250, ClinGen allele CA406852924.

ClinVar aggregate classification (germline): Uncertain significance (1 of 4 stars; one submission).

Conditions:
Inborn genetic diseases. Identifiers: MedGen C0950123, MeSH D030342.

Submission:

Ambry Genetics
Classification: Uncertain significance for Inborn genetic diseases. Last evaluated: 2020-04-29. Review status: criteria provided, single submitter. Criteria: Ambry Variant Classification Scheme 2023. Collection method: clinical testing. Allele origin: germline.
Comment: The alteration results in an amino acid change:_x000D_ _x000D_ The c.236C>A (p.A79E) alteration is located in coding exon 3 of the PRR12 gene. This alteration results from a C to A substitution at nucleotide position 236, causing the alanine (A) at amino acid position 79 to be replaced by a glutamic acid (E). The alteration is not observed in population databases: _x000D_ _x000D_ Based on data from the Genome Aggregation Database (gnomAD), the PRR12 c.236C>A alteration was not observed, with coverage at this position. The altered amino acid is not conserved throughout evolution:_x000D_ _x000D_ The p.A79 amino acid is not conserved in available vertebrate species. The alteration is predicted tolerated by in silico modeling:_x000D_ _x000D_ The p.A79E alteration is predicted to be tolerated by in silico analysis. Based on insufficient or conflicting evidence, the clinical significance of this alteration remains unclear.